The following is an entry in ClinVar:

NM_001177316.2(SLC34A3):c.571G>A (p.Gly191Ser)

Gene: SLC34A3 (solute carrier family 34 member 3; plus strand). Cytogenetic location: 9q34.3.
Variant type: single nucleotide variant.
Coding change: c.571G>A on transcript NM_001177316.2 (MANE Select); coding-DNA position 571, G replaced by A.
Protein change: p.Gly191Ser; replaces glycine 191 with serine.
Molecular consequence: missense variant.
Genome position (GRCh38, 1-based): chr9:137,233,219, G>A. VCF-style: chr9-137233219-G-A. GRCh37 (hg19) VCF-style: chr9-140127671-G-A.
Other names: c.571G>A, p.Gly191Ser (NM_001177317.2, NM_080877.3); short protein forms G191S.
Identifiers: ClinVar variation 3350842 (VCV003350842.1).
Genomic context (GRCh38, chr9:137,233,219, plus strand): 5'-CCCCAGCCCGGGCCCCCCCACCTGACCCTGCCCACTCTCTGCGGCCACAGGGCTTTCAGC[G>A]GCTCGGCGGTGCACGGGATCTTCAACTGGCTCACAGTGCTGGTCCTGCTGCCACTGGAGA-3'
Protein context (NP_001170787.2, residues 181-201): DRDEFQRAFS[Gly191Ser]SAVHGIFNWL

ClinVar aggregate classification (germline): Uncertain significance (0 of 4 stars; one submission).

Conditions:
SLC34A3-related disorder. Also called: SLC34A3-related condition.

Submission:

PreventionGenetics, part of Exact Sciences
Classification: Uncertain significance for SLC34A3-related condition. Last evaluated: 2024-03-20. Review status: no assertion criteria provided. Collection method: clinical testing. Allele origin: germline.
Comment: The SLC34A3 c.571G>A variant is predicted to result in the amino acid substitution p.Gly191Ser. This variant has been reported in an individual with hereditary hypophosphatemic rickets with hypercalciuria; however, it was also observed in an unaffected relative (Figure 2, Dhir et al 2017. PubMed ID: 27939817). This variant is reported in 0.014% of alleles in individuals of East Asian descent in gnomAD. An alternate nucleotide substitution affecting the same amino acid (p.Gly191Arg) has been reported in the compound heterozygous state in an individual with hereditary hypophosphatemic rickets with hypercalciuria (Chi et al. 2014. PubMed ID: 24246249). At this time, the clinical significance of thc.571G>A (p.Gly191Ser) variant is uncertain due to the absence of conclusive functional and genetic evidence.